The following is an entry in ClinVar:

NM_001376.5(DYNC1H1):c.9139C>T (p.His3047Tyr)

Genes: DYNC1H1 (dynein cytoplasmic 1 heavy chain 1; plus strand), LOC126862060 (BRD4-independent group 4 enhancer GRCh37_chr14:102493659-102494858; plus strand). Cytogenetic location: 14q32.31.
Variant type: single nucleotide variant.
Coding change: c.9139C>T on transcript NM_001376.5 (MANE Select); coding-DNA position 9139, C replaced by T.
Protein change: p.His3047Tyr; replaces histidine 3047 with tyrosine.
Molecular consequence: missense variant.
Genome position (GRCh38, 1-based): chr14:102,027,709, C>T. VCF-style: chr14-102027709-C-T. GRCh37 (hg19) VCF-style: chr14-102494046-C-T.
Other names: short protein forms H3047Y.
Identifiers: ClinVar variation 472561 (VCV000472561.9), dbSNP rs1555410940, ClinGen allele CA391011188.

ClinVar aggregate classification (germline): Uncertain significance (1 of 4 stars; one submission).

Conditions:
Charcot-Marie-Tooth disease axonal type 2O. Also called: CHARCOT-MARIE-TOOTH NEUROPATHY, AXONAL, TYPE 2O; CHARCOT-MARIE-TOOTH DISEASE, AXONAL, AUTOSOMAL DOMINANT, TYPE 2O; Charcot-Marie-Tooth Neuropathy Type 2O; Charcot-Marie-Tooth disease, axonal, type 20. Identifiers: Orphanet 284232, MedGen C3280220, MONDO:0013644, OMIM 614228.

Submission:

Labcorp Genetics (formerly Invitae), Labcorp
Classification: Uncertain significance for Charcot-Marie-Tooth disease axonal type 2O. Last evaluated: 2017-06-08. Review status: criteria provided, single submitter. Criteria: Invitae Variant Classification Sherloc (09022015). Collection method: clinical testing. Allele origin: germline.
Comment: This sequence change replaces histidine with tyrosine at codon 3047 of the DYNC1H1 protein (p.His3047Tyr). The histidine residue is highly conserved and there is a moderate physicochemical difference between histidine and tyrosine. This variant is not present in population databases (ExAC no frequency). This variant has not been reported in the literature in individuals with a DYNC1H1-related disease. Algorithms developed to predict the effect of missense changes on protein structure and function do not agree on the potential impact of this missense change (SIFT: "Deleterious"; PolyPhen-2: "Benign"; Align-GVGD: "Class C0"). Algorithms developed to predict the effect of sequence changes on RNA splicing suggest that this variant may create or strengthen a splice site, but this prediction has not been confirmed by published transcriptional studies. In summary, this variant has uncertain impact on DYNC1H1 function. The available evidence is currently insufficient to determine its role in disease. Therefore, it has been classified as a Variant of Uncertain Significance.